The following is an entry in ClinVar:

ClinVar aggregate classification (germline): Uncertain significance (1 of 4 stars; one submission).

Conditions:
Dilated cardiomyopathy 1DD (CMD1DD). Identifiers: Orphanet 154, MedGen C2750995, MONDO:0013168, OMIM 613172.

Submission:

Labcorp Genetics (formerly Invitae), Labcorp
Classification: Uncertain significance for Dilated cardiomyopathy 1DD. Last evaluated: 2024-09-19. Review status: criteria provided, single submitter. Criteria: Invitae Variant Classification Sherloc (09022015). Collection method: clinical testing. Allele origin: germline.
Comment: This sequence change replaces threonine, which is neutral and polar, with asparagine, which is neutral and polar, at codon 649 of the RBM20 protein (p.Thr649Asn). This variant is not present in population databases (gnomAD no frequency). This variant has not been reported in the literature in individuals affected with RBM20-related conditions. Invitae Evidence Modeling of protein sequence and biophysical properties (such as structural, functional, and spatial information, amino acid conservation, physicochemical variation, residue mobility, and thermodynamic stability) indicates that this missense variant is not expected to disrupt RBM20 protein function with a negative predictive value of 95%. In summary, the available evidence is currently insufficient to determine the role of this variant in disease. Therefore, it has been classified as a Variant of Uncertain Significance.

NM_001134363.3(RBM20):c.1946C>A (p.Thr649Asn)

Gene: RBM20 (RNA binding motif protein 20; plus strand). Cytogenetic location: 10q25.2.
Variant type: single nucleotide variant.
Coding change: c.1946C>A on transcript NM_001134363.3 (MANE Select); coding-DNA position 1946, C replaced by A.
Protein change: p.Thr649Asn; replaces threonine 649 with asparagine.
Molecular consequence: missense variant.
Genome position (GRCh38, 1-based): chr10:110,812,343, C>A. VCF-style: chr10-110812343-C-A. GRCh37 (hg19) VCF-style: chr10-112572101-C-A.
Other names: short protein forms T649N.
Identifiers: ClinVar variation 3636972 (VCV003636972.2).